The following is an entry in ClinVar:

ClinVar aggregate classification (germline): Uncertain significance (1 of 4 stars; one submission).

gnomAD v4.1: 6 of 1,613,266 alleles (0.00037%); highest among the groups gnomAD compares: South Asian, 0.0044%; no homozygotes.

Submission:

Labcorp Genetics (formerly Invitae), Labcorp
Classification: Uncertain significance. Last evaluated: 2022-02-22. Review status: criteria provided, single submitter. Criteria: Invitae Variant Classification Sherloc (09022015). Collection method: clinical testing. Allele origin: germline.
Comment: In summary, the available evidence is currently insufficient to determine the role of this variant in disease. Therefore, it has been classified as a Variant of Uncertain Significance. Algorithms developed to predict the effect of missense changes on protein structure and function output the following: SIFT: "Deleterious"; PolyPhen-2: "Benign"; Align-GVGD: "Class C15". The cysteine amino acid residue is found in multiple mammalian species, which suggests that this missense change does not adversely affect protein function. This variant has not been reported in the literature in individuals affected with DLC1-related conditions. This variant is present in population databases (rs771203743, gnomAD 0.003%). This sequence change replaces arginine, which is basic and polar, with cysteine, which is neutral and slightly polar, at codon 798 of the DLC1 protein (p.Arg798Cys).

NM_182643.3(DLC1):c.2392C>T (p.Arg798Cys)

Gene: DLC1 (DLC1 Rho GTPase activating protein; minus strand). Cytogenetic location: 8p22.
Variant type: single nucleotide variant.
Coding change: c.2392C>T on transcript NM_182643.3 (MANE Select); coding-DNA position 2392, C replaced by T.
Protein change: p.Arg798Cys; replaces arginine 798 with cysteine.
Molecular consequence: missense variant.
Genome position (GRCh38, 1-based): chr8:13,099,945, G>A on the plus strand (C>T on the coding strand, the complement: DLC1 is on the minus strand). VCF-style: chr8-13099945-G-A. GRCh37 (hg19) VCF-style: chr8-12957454-G-A.
Other names: c.859C>T, p.Arg287Cys (NM_001348083.1, NM_001348084.2, NM_001413126.1 and 6 more transcripts); c.2392C>T, p.Arg798Cys (NM_001413124.1, NM_001348081.2); c.1183C>T, p.Arg395Cys (NM_001413129.1, NM_001316668.2); c.1174C>T, p.Arg392Cys (NM_001413130.1); c.832C>T, p.Arg278Cys (NM_001413131.1, NM_001413137.1); c.1318C>T, p.Arg440Cys (NM_001413132.1); c.1081C>T, p.Arg361Cys (NM_001413135.1, NM_001413136.1, NM_001413139.1 and 1 more transcripts); c.1216C>T, p.Arg406Cys (NM_001413140.1); short protein forms R392C, R395C, R406C, R440C, R278C, R287C, R798C, R361C.
Identifiers: ClinVar variation 2053686 (VCV002053686.4), dbSNP rs771203743, ClinGen allele CA4638636.